The following is an entry in ClinVar:

ClinVar aggregate classification (germline): Likely benign (1 of 4 stars; one submission).

Allele frequency attached by ClinVar (database versions not stated): gnomAD 0.00050; ExAC 0.00077; 1000 Genomes Project 30x 0.00125.

Submission:

CeGaT Center for Human Genetics Tuebingen
Classification: Likely benign. Last evaluated: 2022-11-01. Review status: criteria provided, single submitter. Criteria: CeGaT Center For Human Genetics Tuebingen Variant Classification Criteria Version 2. Collection method: clinical testing. Allele origin: germline. Affected: yes. Observed: 1 variant allele.
Comment: SULT1A4: BP4, BP7

NM_001017390.3(SULT1A4):c.42C>T (p.Tyr14=)

Genes: SLX1B-SULT1A4 (SLX1B-SULT1A4 readthrough (NMD candidate); plus strand), SULT1A4 (sulfotransferase family 1A member 4; plus strand). Cytogenetic location: 16p11.2.
Variant type: single nucleotide variant.
Coding change: c.42C>T on transcript NM_001017390.3 (MANE Select); coding-DNA position 42, C replaced by T.
Protein change: p.Tyr14=; no amino-acid change (tyrosine 14 retained).
Molecular consequence: synonymous variant. On other transcripts: non-coding transcript variant (1).
Genome position (GRCh38, 1-based): chr16:29,461,427, C>T. VCF-style: chr16-29461427-C-T. GRCh37 (hg19) VCF-style: chr16-29472748-C-T.
Identifiers: ClinVar variation 2646362 (VCV002646362.24), dbSNP rs746336714, ClinGen allele CA7991810.